The following is an entry in ClinVar:

NM_007347.5(AP4E1):c.3163A>C (p.Asn1055His)

Gene: AP4E1 (adaptor related protein complex 4 subunit epsilon 1; plus strand). Cytogenetic location: 15q21.2.
Variant type: single nucleotide variant.
Coding change: c.3163A>C on transcript NM_007347.5 (MANE Select); coding-DNA position 3163, A replaced by C.
Protein change: p.Asn1055His; replaces asparagine 1055 with histidine.
Molecular consequence: missense variant.
Genome position (GRCh38, 1-based): chr15:51,001,093, A>C. VCF-style: chr15-51001093-A-C. GRCh37 (hg19) VCF-style: chr15-51293290-A-C.
Other names: c.2938A>C, p.Asn980His (NM_001252127.2); short protein forms N1055H, N980H.
Identifiers: ClinVar variation 2155749 (VCV002155749.4), dbSNP rs747189506, ClinGen allele CA7559457.
Genomic context (GRCh38, chr15:51,001,093, plus strand): 5'-AAAATCTCAAGTGACGACTTTGGGAAACTCTGGTTATCCTTCGCAAATGATGTGAAACAA[A>C]ATGTAAAAATGTCAGAATCTCAAGCTGCACTTCCTTCTGCACTAAAGACTCTGCAACAGA-3'
Protein context (NP_031373.2, residues 1045-1065): WLSFANDVKQ[Asn1055His]VKMSESQAAL

ClinVar aggregate classification (germline): Uncertain significance (1 of 4 stars; one submission).

Conditions:
Spastic paraplegia. Identifiers: MedGen C0037772, HP:0001258.

Allele frequency attached by ClinVar (database versions not stated): gnomAD exomes below 0.00001; TOPMed below 0.00001; ExAC 0.00001; gnomAD 0.00001.
gnomAD v4.1: 4 of 1,613,528 alleles (0.00025%); highest among the groups gnomAD compares: African/African-American, 0.0027%; no homozygotes.

Submission:

Labcorp Genetics (formerly Invitae), Labcorp
Classification: Uncertain significance for Spastic paraplegia. Last evaluated: 2022-07-14. Review status: criteria provided, single submitter. Criteria: Invitae Variant Classification Sherloc (09022015). Collection method: clinical testing. Allele origin: germline.
Comment: This sequence change replaces asparagine, which is neutral and polar, with histidine, which is basic and polar, at codon 1055 of the AP4E1 protein (p.Asn1055His). This variant is present in population databases (rs747189506, gnomAD 0.003%). This variant has not been reported in the literature in individuals affected with AP4E1-related conditions. Algorithms developed to predict the effect of missense changes on protein structure and function are either unavailable or do not agree on the potential impact of this missense change (SIFT: "Deleterious"; PolyPhen-2: "Probably Damaging"; Align-GVGD: "Class C0"). In summary, the available evidence is currently insufficient to determine the role of this variant in disease. Therefore, it has been classified as a Variant of Uncertain Significance.